The following is an entry in ClinVar:

ClinVar aggregate classification (germline): Uncertain significance (1 of 4 stars; one submission).

gnomAD v4.1: 6 of 1,614,146 alleles (0.00037%); highest among the groups gnomAD compares: Non-Finnish European, 0.00025%; no homozygotes.

Submission:

GeneDx
Classification: Uncertain significance. Last evaluated: 2025-02-06. Review status: criteria provided, single submitter. Criteria: GeneDx Variant Classification Process June 2021. Collection method: clinical testing. Allele origin: germline. Affected: yes.
Comment: Not observed at significant frequency in large population cohorts (gnomAD); In silico analysis indicates that this missense variant does not alter protein structure/function; Has not been previously published as pathogenic or benign to our knowledge

NM_016239.4(MYO15A):c.9112C>T (p.Pro3038Ser)

Gene: MYO15A (myosin XVA; plus strand). Cytogenetic location: 17p11.2.
Variant type: single nucleotide variant.
Coding change: c.9112C>T on transcript NM_016239.4 (MANE Select); coding-DNA position 9112, C replaced by T.
Protein change: p.Pro3038Ser; replaces proline 3038 with serine.
Molecular consequence: missense variant.
Genome position (GRCh38, 1-based): chr17:18,158,953, C>T. VCF-style: chr17-18158953-C-T. GRCh37 (hg19) VCF-style: chr17-18062267-C-T.
Other names: short protein forms P3038S.
Identifiers: ClinVar variation 4074567 (VCV004074567.1).